The following is an entry in ClinVar:

ClinVar aggregate classification (germline): Uncertain significance. Review status: criteria provided, multiple submitters, no conflicts (2 of 4 stars). 2 submissions from 2 submitters: Uncertain significance (2). Last evaluated 2023-04-19.

Allele frequency attached by ClinVar (database versions not stated): gnomAD exomes below 0.00001; TOPMed below 0.00001.
gnomAD v4.1: 1 of 1,614,124 alleles (0.000062%); highest among the groups gnomAD compares: African/African-American, 0.0013%; no homozygotes.

Submissions (2):

Labcorp Genetics (formerly Invitae), Labcorp
Classification: Uncertain significance. Last evaluated: 2023-04-19. Review status: criteria provided, single submitter. Criteria: Invitae Variant Classification Sherloc (09022015). Collection method: clinical testing. Allele origin: germline.
Comment: This sequence change replaces glutamine, which is neutral and polar, with proline, which is neutral and non-polar, at codon 219 of the KCNJ13 protein (p.Gln219Pro). This variant is not present in population databases (gnomAD no frequency). This variant has not been reported in the literature in individuals affected with KCNJ13-related conditions. Advanced modeling of protein sequence and biophysical properties (such as structural, functional, and spatial information, amino acid conservation, physicochemical variation, residue mobility, and thermodynamic stability) performed at Invitae indicates that this missense variant is not expected to disrupt KCNJ13 protein function. In summary, the available evidence is currently insufficient to determine the role of this variant in disease. Therefore, it has been classified as a Variant of Uncertain Significance.

Blueprint Genetics
Classification: Uncertain significance. Last evaluated: 2022-04-25. Review status: criteria provided, single submitter. Criteria: ACMG Guidelines, 2015. Collection method: clinical testing. Allele origin: germline.

NM_002242.4(KCNJ13):c.656A>C (p.Gln219Pro)

Genes: GIGYF2 (GRB10 interacting GYF protein 2; plus strand), KCNJ13 (potassium inwardly rectifying channel subfamily J member 13; minus strand). Cytogenetic location: 2q37.1.
Variant type: single nucleotide variant.
Coding change: c.656A>C on transcript NM_002242.4 (MANE Select); coding-DNA position 656, A replaced by C.
Protein change: p.Gln219Pro; replaces glutamine 219 with proline.
Molecular consequence: missense variant. On other transcripts: 3 prime UTR variant (1), intron variant (4).
Genome position (GRCh38, 1-based): chr2:232,768,618, T>G on the plus strand (A>C on the coding strand, the complement: KCNJ13 is on the minus strand). VCF-style: chr2-232768618-T-G. GRCh37 (hg19) VCF-style: chr2-233633328-T-G.
Other names: c.*135A>C (NM_001172416.1); c.416A>C, p.Gln139Pro (NM_001172417.1); c.532+7182T>G (NM_001103146.3, NM_015575.4, NM_001103147.2 and 1 more transcripts); short protein forms Q219P, Q139P.
Identifiers: ClinVar variation 2776056 (VCV002776056.4), dbSNP rs1345380687, ClinGen allele CA351009873.
Genomic context (GRCh38, chr2:232,768,618, plus strand): 5'-AAGATGAAGAATGGACATTCGTCAGAACTGATGCCATCAAGGTGGAAATCCACACTGGTC[T>G]GGTAGAGTTTGCCATTTTCTCTTTCCTGATAGAGTACAGCTGAGACCCGGACACTGGTTA-3'
Protein context (NP_002233.2, residues 209-229): YQERENGKLY[Gln219Pro]TSVDFHLDGI